The following is an entry in ClinVar:

ClinVar aggregate classification (germline): Uncertain significance. Review status: criteria provided, multiple submitters, no conflicts (2 of 4 stars). 2 submissions from 2 submitters: Uncertain significance (2). Last evaluated 2026-01-06.

Conditions:
Hereditary cancer-predisposing syndrome. Also called: Neoplastic Syndromes, Hereditary; Tumor predisposition; Hereditary Cancer Syndrome; Hereditary neoplastic syndrome. Identifiers: Orphanet 140162, MedGen C0027672, MeSH D009386, MONDO:0015356.
Tuberous sclerosis 2 (TSC2). Identifiers: Orphanet 805, MedGen C1860707, MONDO:0013199, OMIM 613254.

Submissions (2):

Ambry Genetics
Classification: Uncertain significance for Hereditary cancer-predisposing syndrome. Last evaluated: 2026-01-06. Review status: criteria provided, single submitter. Criteria: Ambry Variant Classification Scheme 2023. Collection method: clinical testing. Allele origin: germline.
Comment: The p.V1144L variant (also known as c.3430G>C), located in coding exon 29 of the TSC2 gene, results from a G to C substitution at nucleotide position 3430. The valine at codon 1144 is replaced by leucine, an amino acid with highly similar properties. This amino acid position is poorly conserved in available vertebrate species. In addition, this alteration is predicted to be tolerated by in silico analysis. Based on the available evidence, the clinical significance of this variant remains unclear.

Labcorp Genetics (formerly Invitae), Labcorp
Classification: Uncertain significance for Tuberous sclerosis 2. Last evaluated: 2025-03-24. Review status: criteria provided, single submitter. Criteria: Invitae Variant Classification Sherloc (09022015). Collection method: clinical testing. Allele origin: germline.
Comment: This sequence change replaces valine, which is neutral and non-polar, with leucine, which is neutral and non-polar, at codon 1144 of the TSC2 protein (p.Val1144Leu). This variant is not present in population databases (gnomAD no frequency). This variant has not been reported in the literature in individuals affected with TSC2-related conditions. ClinVar contains an entry for this variant (Variation ID: 2095096). Invitae Evidence Modeling of protein sequence and biophysical properties (such as structural, functional, and spatial information, amino acid conservation, physicochemical variation, residue mobility, and thermodynamic stability) indicates that this missense variant is not expected to disrupt TSC2 protein function with a negative predictive value of 95%. Experimental studies have shown that this missense change does not substantially affect TSC2 function (PMID: 22903760). In summary, the available evidence is currently insufficient to determine the role of this variant in disease. Therefore, it has been classified as a Variant of Uncertain Significance.

Literature cited by the submitters: PubMed 22903760 (cited by Labcorp Genetics (formerly Invitae), Labcorp).

NM_000548.5(TSC2):c.3430G>C (p.Val1144Leu)

Gene: TSC2 (TSC complex subunit 2; plus strand). Cytogenetic location: 16p13.3.
Variant type: single nucleotide variant.
Coding change: c.3430G>C on transcript NM_000548.5 (MANE Select); coding-DNA position 3430, G replaced by C.
Protein change: p.Val1144Leu; replaces valine 1144 with leucine.
Molecular consequence: missense variant.
Genome position (GRCh38, 1-based): chr16:2,080,197, G>C. VCF-style: chr16-2080197-G-C. GRCh37 (hg19) VCF-style: chr16-2130198-G-C.
Other names: c.3298G>C, p.Val1100Leu (NM_001077183.3, NM_001370404.1, NM_001406665.1); c.3430G>C, p.Val1144Leu (NM_001114382.3); c.3190G>C, p.Val1064Leu (NM_001318827.2); c.3154G>C, p.Val1052Leu (NM_001318829.2); c.2698G>C, p.Val900Leu (NM_001318831.2, NM_001406687.1, NM_001406688.1); c.3331G>C, p.Val1111Leu (NM_001318832.2); c.3301G>C, p.Val1101Leu (NM_001363528.2, NM_021055.3, NM_001370405.1); c.3280G>C, p.Val1094Leu (NM_001406676.1); and 18 more; short protein forms V1063L, V1100L, V1111L, V1144L, V566L, V653L, V1052L, V1081L.
Identifiers: ClinVar variation 2095096 (VCV002095096.5), dbSNP rs45517294, ClinGen allele CA394288578.